The following is an entry in ClinVar:

ClinVar aggregate classification (germline): Uncertain significance (1 of 4 stars; one submission).

Conditions:
Hereditary cancer-predisposing syndrome. Also called: Neoplastic Syndromes, Hereditary; Tumor predisposition; Hereditary neoplastic syndrome; Hereditary Cancer Syndrome. Identifiers: Orphanet 140162, MedGen C0027672, MeSH D009386, MONDO:0015356.

Submission:

Ambry Genetics
Classification: Uncertain significance for Hereditary cancer-predisposing syndrome. Last evaluated: 2025-05-29. Review status: criteria provided, single submitter. Criteria: Ambry Variant Classification Scheme 2023. Collection method: clinical testing. Allele origin: germline.
Comment: The p.V742L variant (also known as c.2224G>T), located in coding exon 15 of the KIT gene, results from a G to T substitution at nucleotide position 2224. The valine at codon 742 is replaced by leucine, an amino acid with highly similar properties. This amino acid position is conserved. In addition, this alteration is predicted to be tolerated by in silico analysis. Based on the available evidence, the clinical significance of this variant remains unclear.

NM_000222.3(KIT):c.2224G>T (p.Val742Leu)

Gene: KIT (KIT proto-oncogene, receptor tyrosine kinase; plus strand). Cytogenetic location: 4q12.
Variant type: single nucleotide variant.
Coding change: c.2224G>T on transcript NM_000222.3 (MANE Select); coding-DNA position 2224, G replaced by T.
Protein change: p.Val742Leu; replaces valine 742 with leucine.
Molecular consequence: missense variant.
Genome position (GRCh38, 1-based): chr4:54,731,410, G>T. VCF-style: chr4-54731410-G-T. GRCh37 (hg19) VCF-style: chr4-55597576-G-T.
Other names: c.2212G>T, p.Val738Leu (NM_001093772.2, NM_001385292.1); c.2227G>T, p.Val743Leu (NM_001385284.1); c.2221G>T, p.Val741Leu (NM_001385285.1); c.2209G>T, p.Val737Leu (NM_001385286.1); c.2215G>T, p.Val739Leu (NM_001385288.1); c.2224G>T, p.Val742Leu (NM_001385290.1); short protein forms V738L, V739L, V737L, V743L, V741L, V742L.
Identifiers: ClinVar variation 4043770 (VCV004043770.1).
Genomic context (GRCh38, chr4:54,731,410, plus strand): 5'-ATGGACATGAAACCTGGAGTTTCTTATGTTGTCCCAACCAAGGCCGACAAAAGGAGATCT[G>T]TGAGAATAGGTGAGTACCTACCTATCAAGCAACCAAGAGTAACTTTACAGAGAGTATGTA-3'
Protein context (NP_000213.1, residues 732-752): VPTKADKRRS[Val742Leu]RIGSYIERDV